The following is an entry in ClinVar:

NM_003482.4(KMT2D):c.5732C>A (p.Thr1911Asn)

Gene: KMT2D (lysine methyltransferase 2D; minus strand). Cytogenetic location: 12q13.12.
Variant type: single nucleotide variant.
Coding change: c.5732C>A on transcript NM_003482.4 (MANE Select); coding-DNA position 5732, C replaced by A.
Protein change: p.Thr1911Asn; replaces threonine 1911 with asparagine.
Molecular consequence: missense variant.
Genome position (GRCh38, 1-based): chr12:49,042,791, G>T on the plus strand (C>A on the coding strand, the complement: KMT2D is on the minus strand). VCF-style: chr12-49042791-G-T. GRCh37 (hg19) VCF-style: chr12-49436574-G-T.
Other names: short protein forms T1911N.
Identifiers: ClinVar variation 134682 (VCV000134682.1), dbSNP rs587778460, ClinGen allele CA160529.
Genomic context (GRCh38, chr12:49,042,791, plus strand): 5'-CCTGTATTACCTTGAAGAAAGGGCCTCTGCAGTGGCGTACGGCTGCCTTCTAGGCCAGGG[G>T]TTCCACAACCCAGATGCTGTTCTCGTTCAGAGCCCAGAACATCCTTGAAGAGCTGCTGCA-3'
Protein context (NP_003473.3, residues 1901-1921): SEREQHLGCG[Thr1911Asn]PGLEGSRTPL

ClinVar aggregate classification (germline): not provided (0 of 4 stars; one submission).

gnomAD v4.1: 3 of 1,613,982 alleles (0.00019%); highest among the groups gnomAD compares: Non-Finnish European, 0.00025%; no homozygotes.

Submission:

ITMI
No classification provided. Condition: AllHighlyPenetrant. Last evaluated: 2013-09-19. Review status: no classification provided. Collection method: reference population. Allele origin: germline.
Comment: Please see associated publication for description of ethnicities

Literature cited by the submitters: PubMed 24728327.